The following is an entry in ClinVar:

NM_001330691.3(CEP78):c.2007T>C (p.Cys669=)

Gene: CEP78 (centrosomal protein 78; plus strand). Cytogenetic location: 9q21.2.
Variant type: single nucleotide variant.
Coding change: c.2007T>C on transcript NM_001330691.3 (MANE Select); coding-DNA position 2007, T replaced by C.
Protein change: p.Cys669=; no amino-acid change (cysteine 669 retained).
Molecular consequence: synonymous variant.
Genome position (GRCh38, 1-based): chr9:78,266,603, T>C. VCF-style: chr9-78266603-T-C. GRCh37 (hg19) VCF-style: chr9-80881519-T-C.
Other names: c.2010T>C, p.Cys670= (NM_001098802.3, NM_001349839.2); c.1959T>C, p.Cys653= (NM_001330693.3, NM_001330694.2); c.2007T>C, p.Cys669= (NM_001349838.2); c.1962T>C, p.Cys654= (NM_001349840.2, NM_032171.3).
Identifiers: ClinVar variation 517542 (VCV000517542.17), dbSNP rs57666183, ClinGen allele CA5095406.
Genomic context (GRCh38, chr9:78,266,603, plus strand): 5'-AGGAGTCCCAGCTACTGAGCAGCGGCAGGAGTCTTTTGAAGGATTCATTGCTAGAATGTG[T>C]TCTCCTTCACCAGATGCGACTTCTGGAACTGGAAGTCAAAGAAAAGAAGAGGAGTTGTCC-3'
Protein context (NP_001317620.1, residues 659-679): ESFEGFIARM[Cys669=]SPSPDATSGT

ClinVar aggregate classification (germline): Benign. Review status: criteria provided, multiple submitters, no conflicts (2 of 4 stars). 4 submissions from 4 submitters: Benign (4). Last evaluated 2026-01-23.

Allele frequency attached by ClinVar (database versions not stated): gnomAD exomes 0.00187 and 0.00517; ExAC 0.00654; gnomAD 0.01947 and 0.02078; ESP Exome Variant Server 0.02147; TOPMed 0.02243; 1000 Genomes Project 0.02576; 1000 Genomes Project 30x 0.02748.
gnomAD v4.1: 5,844 of 1,613,602 alleles (0.36%); highest among the groups gnomAD compares: African/African-American, 6.6%; 169 homozygotes.

Submissions (4):

Labcorp Genetics (formerly Invitae), Labcorp
Classification: Benign. Last evaluated: 2026-01-23. Review status: criteria provided, single submitter. Criteria: Invitae Variant Classification Sherloc (09022015). Collection method: clinical testing. Allele origin: germline.

GeneDx
Classification: Benign. Last evaluated: 2021-05-05. Review status: criteria provided, single submitter. Criteria: GeneDx Variant Classification Process June 2021. Collection method: clinical testing. Allele origin: germline. Affected: yes.

Laboratory for Molecular Medicine, Mass General Brigham Personalized Medicine
Classification: Benign. Last evaluated: 2017-08-23. Review status: criteria provided, single submitter. Criteria: LMM Criteria. Collection method: clinical testing. Allele origin: germline. Observed: 7 variant alleles.
Comment: p.Cys670Cys in exon 16 of CEP78: This variant is not expected to have clinical s ignificance because it does not alter an amino acid residue, is not located with in the splice consensus sequence, and has been identified in 7.49% (684/9138) of African chromosomes by the Exome Aggregation Consortium (ExAC; dbSNP rs57666183).

Breakthrough Genomics
Classification: Benign. Review status: criteria provided, single submitter. Criteria: ACMG Guidelines, 2015. Collection method: not provided. Allele origin: germline. Inheritance: Autosomal recessive inheritance. Affected: yes.